The following is an entry in ClinVar:

NM_032119.3(ADGRV1):c.-265G>C

Genes: ADGRV1 (adhesion G protein-coupled receptor V1; plus strand), LOC129994204 (ATAC-STARR-seq lymphoblastoid silent region 16169; plus strand). Cytogenetic location: 5q14.3.
Variant type: single nucleotide variant.
Coding change: c.-265G>C on transcript NM_032119.3; 265 bases upstream of the start codon, G replaced by C.
Genome position (GRCh38, 1-based): chr5:90,558,631, G>C. VCF-style: chr5-90558631-G-C. GRCh37 (hg19) VCF-style: chr5-89854448-G-C.
Identifiers: ClinVar variation 667600 (VCV000667600.3), dbSNP rs154568, ClinGen allele CA11936512.

ClinVar aggregate classification (germline): Benign (1 of 4 stars; one submission).

Allele frequency attached by ClinVar (database versions not stated): gnomAD 0.55915 and 0.55794; gnomAD exomes 0.55435; 1000 Genomes Project 0.56589; TOPMed 0.55010; 1000 Genomes Project 30x 0.56636.

Submission:

GeneDx
Classification: Benign. Last evaluated: 2018-06-14. Review status: criteria provided, single submitter. Criteria: GeneDx Variant Classification (06012015). Collection method: clinical testing. Allele origin: germline. Affected: yes.
Comment: This variant is considered likely benign or benign based on one or more of the following criteria: it is a conservative change, it occurs at a poorly conserved position in the protein, it is predicted to be benign by multiple in silico algorithms, and/or has population frequency not consistent with disease.